The following is an entry in ClinVar:

NM_015294.6(TRIM37):c.77G>A (p.Arg26His)

Gene: TRIM37 (tripartite motif containing 37; minus strand). Cytogenetic location: 17q22.
Variant type: single nucleotide variant.
Coding change: c.77G>A on transcript NM_015294.6 (MANE Select); coding-DNA position 77, G replaced by A.
Protein change: p.Arg26His; replaces arginine 26 with histidine.
Molecular consequence: missense variant. On other transcripts: 5 prime UTR variant (2), non-coding transcript variant (1), intron variant (3).
Genome position (GRCh38, 1-based): chr17:59,104,339, C>T on the plus strand (G>A on the coding strand, the complement: TRIM37 is on the minus strand). VCF-style: chr17-59104339-C-T. GRCh37 (hg19) VCF-style: chr17-57181700-C-T.
Other names: c.77G>A, p.Arg26His (NM_001005207.5, NM_001320988.3, NM_001320989.3 and 2 more transcripts); c.-366G>A (NM_001320990.3); c.-676G>A (NM_001353083.2); c.-252+2102G>A (NM_001353085.2); c.21+2102G>A (NM_001320987.3, NM_001353082.2); short protein forms R26H.
Identifiers: ClinVar variation 1496295 (VCV001496295.3), dbSNP rs1242028477, ClinGen allele CA400399286.

ClinVar aggregate classification (germline): Uncertain significance (1 of 4 stars; one submission).

Allele frequency attached by ClinVar (database versions not stated): gnomAD exomes below 0.00001 and 0.00002; TOPMed below 0.00001; gnomAD 0.00001.
gnomAD v4.1: 27 of 1,614,082 alleles (0.0017%); highest among the groups gnomAD compares: South Asian, 0.0033%; no homozygotes.

Submission:

Labcorp Genetics (formerly Invitae), Labcorp
Classification: Uncertain significance. Last evaluated: 2022-07-19. Review status: criteria provided, single submitter. Criteria: Invitae Variant Classification Sherloc (09022015). Collection method: clinical testing. Allele origin: germline.
Comment: This sequence change replaces arginine, which is basic and polar, with histidine, which is basic and polar, at codon 26 of the TRIM37 protein (p.Arg26His). This variant is present in population databases (no rsID available, gnomAD 0.004%). This variant has not been reported in the literature in individuals affected with TRIM37-related conditions. ClinVar contains an entry for this variant (Variation ID: 1496295). Algorithms developed to predict the effect of missense changes on protein structure and function are either unavailable or do not agree on the potential impact of this missense change (SIFT: "Not Available"; PolyPhen-2: "Benign"; Align-GVGD: "Not Available"). In summary, the available evidence is currently insufficient to determine the role of this variant in disease. Therefore, it has been classified as a Variant of Uncertain Significance.